The following is an entry in ClinVar:

NM_014956.5(CEP164):c.3225C>T (p.Thr1075=)

Gene: CEP164 (centrosomal protein 164; plus strand). Cytogenetic location: 11q23.3.
Variant type: single nucleotide variant.
Coding change: c.3225C>T on transcript NM_014956.5 (MANE Select); coding-DNA position 3225, C replaced by T.
Protein change: p.Thr1075=; no amino-acid change (threonine 1075 retained).
Molecular consequence: synonymous variant.
Genome position (GRCh38, 1-based): chr11:117,396,558, C>T. VCF-style: chr11-117396558-C-T. GRCh37 (hg19) VCF-style: chr11-117267274-C-T.
Other names: p.Thr1075=; c.3234C>T, p.Thr1078= (NM_001271933.2).
Identifiers: ClinVar variation 707249 (VCV000707249.54), dbSNP rs144421639, ClinGen allele CA6295377.

ClinVar aggregate classification (germline): Benign/Likely benign. Review status: criteria provided, multiple submitters, no conflicts (2 of 4 stars). 5 submissions from 5 submitters: Benign (1); Likely benign (4). Last evaluated 2026-01-19.

Conditions:
Nephronophthisis 15 (NPHP15). Identifiers: Orphanet 3156, MedGen C3541853, MONDO:0013917, OMIM 614845.

Allele frequency attached by ClinVar (database versions not stated): gnomAD exomes 0.00022 and 0.00051; ExAC 0.00070; 1000 Genomes Project 0.00180; 1000 Genomes Project 30x 0.00187; gnomAD 0.00192 and 0.00210; TOPMed 0.00218; ESP Exome Variant Server 0.00223.
gnomAD v4.1: 630 of 1,613,676 alleles (0.039%); highest among the groups gnomAD compares: African/African-American, 0.73%; 2 homozygotes.

Submissions (5):

Labcorp Genetics (formerly Invitae), Labcorp
Classification: Benign for Nephronophthisis 15. Last evaluated: 2026-01-19. Review status: criteria provided, single submitter. Criteria: Invitae Variant Classification Sherloc (09022015). Collection method: clinical testing. Allele origin: germline.

Mayo Clinic Laboratories, Mayo Clinic
Classification: Likely benign. Last evaluated: 2025-04-21. Review status: criteria provided, single submitter. Criteria: ACMG Guidelines, 2015. Collection method: clinical testing. Allele origin: germline. Observed: 1 variant allele.
Comment: BS1, BP4, BP7

Blueprint Genetics
Classification: Likely benign. Last evaluated: 2024-11-11. Review status: criteria provided, single submitter. Criteria: ACMG Guidelines, 2015. Collection method: clinical testing. Allele origin: germline.

Fulgent Genetics
Classification: Likely benign for Nephronophthisis 15. Last evaluated: 2021-09-28. Review status: criteria provided, single submitter. Criteria: ACMG Guidelines, 2015. Collection method: clinical testing. Allele origin: unknown.

CeGaT Center for Human Genetics Tuebingen
Classification: Likely benign. Last evaluated: 2018-05-01. Review status: criteria provided, single submitter. Criteria: CeGaT Center For Human Genetics Tuebingen Variant Classification Criteria Version 2. Collection method: clinical testing. Allele origin: germline. Affected: yes. Observed: 1 variant allele.